The following is an entry in ClinVar:

NM_001199397.3(NEK1):c.2975-139G>A

Gene: NEK1 (NIMA related kinase 1; minus strand). Cytogenetic location: 4q33.
Variant type: single nucleotide variant.
Coding change: c.2975-139G>A on transcript NM_001199397.3 (MANE Select); 139 bases into the intron before coding-DNA position 2975, G replaced by A.
Molecular consequence: intron variant.
Genome position (GRCh38, 1-based): chr4:169,424,939, C>T on the plus strand (G>A on the coding strand, the complement: NEK1 is on the minus strand). VCF-style: chr4-169424939-C-T. GRCh37 (hg19) VCF-style: chr4-170346090-C-T.
Other names: c.2492-139G>A (NM_001374421.1); c.2840-139G>A (NM_001374420.1); c.2684-139G>A (NM_001199399.3); c.2843-139G>A (NM_001199398.3); c.2891-139G>A (NM_001374419.1, NM_012224.4); c.2759-139G>A (NM_001199400.3); c.2975-139G>A (NM_001374418.1).
Identifiers: ClinVar variation 667930 (VCV000667930.1), dbSNP rs4692723, ClinGen allele CA110545879.
Genomic context (GRCh38, chr4:169,424,939, plus strand): 5'-GTAACACAAATTCTAGCAAAAAACCCACATATCAGGAAAATAAAATCAAAATATGTGTGT[C>T]AGTATATTACCTTCTGAATAATCTTTAATAGGATACAATGTTCTATCTTCAGAGAGTTGA-3'

ClinVar aggregate classification (germline): Benign (1 of 4 stars; one submission).

Allele frequency attached by ClinVar (database versions not stated): 1000 Genomes Project 30x 0.79044; TOPMed 0.79275; 1000 Genomes Project 0.79633; gnomAD 0.79893 and 0.80590; gnomAD exomes 0.88298.
gnomAD v4.1: 646,580 of 746,072 alleles (87%); highest among the groups gnomAD compares: South Asian, 92%; 282,943 homozygotes.

Submission:

GeneDx
Classification: Benign. Last evaluated: 2018-06-14. Review status: criteria provided, single submitter. Criteria: GeneDx Variant Classification (06012015). Collection method: clinical testing. Allele origin: germline. Affected: yes.
Comment: This variant is considered likely benign or benign based on one or more of the following criteria: it is a conservative change, it occurs at a poorly conserved position in the protein, it is predicted to be benign by multiple in silico algorithms, and/or has population frequency not consistent with disease.